The following is an entry in ClinVar:

ClinVar aggregate classification (germline): Pathogenic (1 of 4 stars; one submission).

Conditions:
Neurofibromatosis, type 1 (NF1). Also called: Peripheral type neurofibromatosis; Neurofibromatosis, type I; VON RECKLINGHAUSEN DISEASE; NEUROFIBROMATOSIS, TYPE I, SOMATIC. Identifiers: Orphanet 636, MedGen C0027831, MONDO:0018975, OMIM 162200. Disease mechanism: loss of function.

Submission:

Labcorp Genetics (formerly Invitae), Labcorp
Classification: Pathogenic for Neurofibromatosis, type 1. Last evaluated: 2022-11-01. Review status: criteria provided, single submitter. Criteria: Invitae Variant Classification Sherloc (09022015). Collection method: clinical testing. Allele origin: germline.
Comment: This sequence change creates a premature translational stop signal (p.Leu651Asnfs*39) in the NF1 gene. It is expected to result in an absent or disrupted protein product. Loss-of-function variants in NF1 are known to be pathogenic (PMID: 10712197, 23913538). This variant is not present in population databases (gnomAD no frequency). This variant has not been reported in the literature in individuals affected with NF1-related conditions. ClinVar contains an entry for this variant (Variation ID: 945149). For these reasons, this variant has been classified as Pathogenic.

Literature cited by the submitters: PubMed 10712197; PubMed 23913538.

NM_001042492.3(NF1):c.1946_1950dup (p.Leu651fs)

Gene: NF1 (neurofibromin 1; plus strand). Cytogenetic location: 17q11.2.
Variant type: Duplication.
Coding change: c.1946_1950dup on transcript NM_001042492.3 (MANE Select); coding-DNA positions 1946 to 1950, 5 bases duplicated (AATTA; older notation c.1946_1950dupAATTA).
Protein change: p.Leu651fs; shifts the reading frame from leucine 651.
Molecular consequence: frameshift variant.
Genome position (GRCh38, 1-based): chr17:31,225,195-31,225,199, AATTA duplicated. VCF-style (leftmost placement, unchanged base first): chr17-31225194-G-GAATTA. GRCh37 (hg19) VCF-style: chr17-29552212-G-GAATTA.
Other names: c.1946_1950dup, p.Leu651Asnfs (NM_000267.4); short protein forms L651fs.
Identifiers: ClinVar variation 945149 (VCV000945149.6), dbSNP rs2066992207, ClinGen allele CA1139665416.